The following is an entry in ClinVar:

NM_001242896.3(DEPDC5):c.1573T>C (p.Ser525Pro)

Gene: DEPDC5 (DEP domain containing 5, GATOR1 subcomplex subunit; plus strand). Cytogenetic location: 22q12.3.
Variant type: single nucleotide variant.
Coding change: c.1573T>C on transcript NM_001242896.3 (MANE Select); coding-DNA position 1573, T replaced by C.
Protein change: p.Ser525Pro; replaces serine 525 with proline.
Molecular consequence: missense variant. On other transcripts: non-coding transcript variant (5).
Genome position (GRCh38, 1-based): chr22:31,815,119, T>C. VCF-style: chr22-31815119-T-C. GRCh37 (hg19) VCF-style: chr22-32211105-T-C.
Other names: c.1573T>C, p.Ser525Pro (NM_001007188.4, NM_001136029.4, NM_001242897.2 and 7 more transcripts); c.1489T>C, p.Ser497Pro (NM_001369901.1, NM_001369902.1); short protein forms S497P, S525P.
Identifiers: ClinVar variation 1306510 (VCV001306510.11), dbSNP rs369966456, ClinGen allele CA10196405.

ClinVar aggregate classification (germline): Uncertain significance. Review status: criteria provided, multiple submitters, no conflicts (2 of 4 stars). 2 submissions from 2 submitters: Uncertain significance (2). Last evaluated 2023-08-31.

Conditions:
Familial focal epilepsy with variable foci (FPEVF). Identifiers: Orphanet 98820, MedGen C1858477, MONDO:0020310.

Allele frequency attached by ClinVar (database versions not stated): gnomAD exomes below 0.00001; ExAC 0.00001; ESP Exome Variant Server 0.00008.

Submissions (2):

GeneDx
Classification: Uncertain significance. Last evaluated: 2023-08-31. Review status: criteria provided, single submitter. Criteria: GeneDx Variant Classification Process June 2021. Collection method: clinical testing. Allele origin: germline. Affected: yes.
Comment: Not observed at significant frequency in large population cohorts (gnomAD); In silico analysis supports that this missense variant does not alter protein structure/function; Has not been previously published as pathogenic or benign to our knowledge

Labcorp Genetics (formerly Invitae), Labcorp
Classification: Uncertain significance for Familial focal epilepsy with variable foci. Last evaluated: 2021-02-08. Review status: criteria provided, single submitter. Criteria: Invitae Variant Classification Sherloc (09022015). Collection method: clinical testing. Allele origin: germline.
Comment: In summary, the available evidence is currently insufficient to determine the role of this variant in disease. Therefore, it has been classified as a Variant of Uncertain Significance. Algorithms developed to predict the effect of missense changes on protein structure and function are either unavailable or do not agree on the potential impact of this missense change (SIFT: "Tolerated"; PolyPhen-2: "Not Available"; Align-GVGD: "Class C0"). This variant has not been reported in the literature in individuals with DEPDC5-related conditions. This variant is present in population databases (rs369966456, ExAC 0.001%). This sequence change replaces serine with proline at codon 525 of the DEPDC5 protein (p.Ser525Pro). The serine residue is highly conserved and there is a moderate physicochemical difference between serine and proline.